The following is an entry in ClinVar:

ClinVar aggregate classification (germline): Uncertain significance (1 of 4 stars; one submission).

gnomAD v4.1: 1 of 1,609,048 alleles (0.000062%); highest among the groups gnomAD compares: East Asian, 0.0022%; no homozygotes.

Submission:

Ambry Genetics
Classification: Uncertain significance. Last evaluated: 2026-06-09. Review status: criteria provided, single submitter. Criteria: Ambry Variant Classification Scheme 2023. Collection method: clinical testing. Allele origin: germline.
Comment: The p.A1345T variant (also known as c.4033G>A), located in coding exon 27 of the MYOM1 gene, results from a G to A substitution at nucleotide position 4033. The alanine at codon 1345 is replaced by threonine, an amino acid with similar properties. This amino acid position is conserved. In addition, this alteration is predicted to be tolerated by in silico analysis. Based on the available evidence, the clinical significance of this variant remains unclear.

NM_003803.4(MYOM1):c.4033G>A (p.Ala1345Thr)

Gene: MYOM1 (myomesin 1; minus strand). Cytogenetic location: 18p11.31.
Variant type: single nucleotide variant.
Coding change: c.4033G>A on transcript NM_003803.4 (MANE Select); coding-DNA position 4033, G replaced by A.
Protein change: p.Ala1345Thr; replaces alanine 1345 with threonine.
Molecular consequence: missense variant.
Genome position (GRCh38, 1-based): chr18:3,089,573, C>T on the plus strand (G>A on the coding strand, the complement: MYOM1 is on the minus strand). VCF-style: chr18-3089573-C-T. GRCh37 (hg19) VCF-style: chr18-3089571-C-T.
Other names: c.3745G>A, p.Ala1249Thr (NM_019856.2); short protein forms A1249T, A1345T.
Identifiers: ClinVar variation 3916571 (VCV003916571.2).